The following is an entry in ClinVar:

ClinVar aggregate classification (germline): Uncertain significance (1 of 4 stars; one submission).

Conditions:
FGFR1-related disorder. Also called: FGFR1-related condition; FGFR1-related disorders. Identifiers: MedGen CN380097.

Allele frequency attached by ClinVar (database versions not stated): gnomAD exomes 0.00001.
gnomAD v4.1: 1 of 233,494 alleles (0.00043%); highest among the groups gnomAD compares: Non-Finnish European, 0.00085%; no homozygotes.

Submission:

PreventionGenetics, part of Exact Sciences
Classification: Uncertain significance for FGFR1-related condition. Last evaluated: 2023-08-04. Review status: criteria provided, single submitter. Criteria: ACMG Guidelines, 2015. Collection method: clinical testing. Allele origin: germline.
Comment: The FGFR1 c.2056C>T variant is predicted to result in the amino acid substitution p.Leu686Phe. This variant is post coding in the canonical FGFR1 transcript (NM_023110:c.*1069C>T). To our knowledge, this variant has not been reported in the literature or in a large population database, indicating this variant is rare. At this time, the clinical significance of this variant is uncertain due to the absence of conclusive functional and genetic evidence.

NM_023110.3(FGFR1):c.*1069C>T

Genes: FGFR1 (fibroblast growth factor receptor 1; minus strand), LOC102723716 (uncharacterized LOC102723716; minus strand). Cytogenetic location: 8p11.23.
Variant type: single nucleotide variant.
Coding change: c.*1069C>T on transcript NM_023110.3 (MANE Select); 1069 bases downstream of the stop codon, C replaced by T.
Molecular consequence: 3 prime UTR variant. On other transcripts: non-coding transcript variant (1), missense variant (3).
Genome position (GRCh38, 1-based): chr8:38,412,559, G>A on the plus strand (C>T on the coding strand, the complement: FGFR1 is on the minus strand). VCF-style: chr8-38412559-G-A. GRCh37 (hg19) VCF-style: chr8-38270077-G-A.
Other names: c.*1069C>T (NM_001174063.2, NM_001174064.2, NM_001174065.2 and 7 more transcripts); c.2323C>T, p.Leu775Phe (NM_001354367.2); c.2317C>T, p.Leu773Phe (NM_001354369.2); c.2056C>T, p.Leu686Phe (NM_001354370.2); short protein forms L686F, L773F, L775F.
Identifiers: ClinVar variation 2633404 (VCV002633404.1), dbSNP rs2536736589, ClinGen allele CA2686964138.